The following is an entry in ClinVar:

ClinVar aggregate classification (germline): Uncertain significance (1 of 4 stars; one submission).

Conditions:
Schimke immuno-osseous dysplasia (SIOD). Also called: Schimke Immunoosseous Dysplasia. Identifiers: Orphanet 1830, MedGen C0877024, MONDO:0009458, OMIM 242900.

Allele frequency attached by ClinVar (database versions not stated): gnomAD exomes below 0.00001; ExAC 0.00001.
gnomAD v4.1: 1 of 1,613,258 alleles (0.000062%); highest among the groups gnomAD compares: Admixed American, 0.0017%; no homozygotes.

Submission:

Labcorp Genetics (formerly Invitae), Labcorp
Classification: Uncertain significance for Schimke immuno-osseous dysplasia. Last evaluated: 2021-04-06. Review status: criteria provided, single submitter. Criteria: Invitae Variant Classification Sherloc (09022015). Collection method: clinical testing. Allele origin: germline.
Comment: In summary, the available evidence is currently insufficient to determine the role of this variant in disease. Therefore, it has been classified as a Variant of Uncertain Significance. Algorithms developed to predict the effect of missense changes on protein structure and function output the following: SIFT: "Tolerated"; PolyPhen-2: "Benign"; Align-GVGD: "Class C0". The lysine amino acid residue is found in multiple mammalian species, suggesting that this missense change does not adversely affect protein function. These predictions have not been confirmed by published functional studies and their clinical significance is uncertain. This variant has not been reported in the literature in individuals with SMARCAL1-related conditions. This variant is present in population databases (rs756864375, ExAC 0.009%). This sequence change replaces glutamic acid with lysine at codon 142 of the SMARCAL1 protein (p.Glu142Lys). The glutamic acid residue is weakly conserved and there is a small physicochemical difference between glutamic acid and lysine.

NM_014140.4(SMARCAL1):c.424G>A (p.Glu142Lys)

Gene: SMARCAL1 (SNF2 related chromatin remodeling annealing helicase 1; plus strand). Cytogenetic location: 2q35.
Variant type: single nucleotide variant.
Coding change: c.424G>A on transcript NM_014140.4 (MANE Select); coding-DNA position 424, G replaced by A.
Protein change: p.Glu142Lys; replaces glutamic acid 142 with lysine.
Molecular consequence: missense variant.
Genome position (GRCh38, 1-based): chr2:216,415,128, G>A. VCF-style: chr2-216415128-G-A. GRCh37 (hg19) VCF-style: chr2-217279851-G-A.
Other names: c.424G>A, p.Glu142Lys (NM_001127207.2); short protein forms E142K.
Identifiers: ClinVar variation 1357743 (VCV001357743.8), dbSNP rs756864375, ClinGen allele CA2097591.